The following is an entry in ClinVar:

NM_001165963.4(SCN1A):c.2043T>G (p.Asn681Lys)

Gene: SCN1A (sodium voltage-gated channel alpha subunit 1; minus strand). Cytogenetic location: 2q24.3.
Variant type: single nucleotide variant.
Coding change: c.2043T>G on transcript NM_001165963.4 (MANE Select); coding-DNA position 2043, T replaced by G.
Protein change: p.Asn681Lys; replaces asparagine 681 with lysine.
Molecular consequence: missense variant. On other transcripts: intron variant (12).
Genome position (GRCh38, 1-based): chr2:166,043,669, A>C on the plus strand (T>G on the coding strand, the complement: SCN1A is on the minus strand). VCF-style: chr2-166043669-A-C. GRCh37 (hg19) VCF-style: chr2-166900179-A-C.
Other names: c.2043T>G, p.Asn681Lys (NM_001202435.3, NM_001353948.2); c.2010+33T>G (NM_001353949.2, NM_001353950.2, NM_001353951.2 and 2 more transcripts); c.1959+84T>G (NM_001353958.2, NM_001353957.2, NM_001165964.3); c.2007+33T>G (NM_001353955.2, NM_001353954.2); c.1956+84T>G (NM_001353960.2); c.-416+33T>G (NM_001353961.2); short protein forms N681K.
Identifiers: ClinVar variation 838087 (VCV000838087.10), dbSNP rs754934003, ClinGen allele CA349067030.

ClinVar aggregate classification (germline): Uncertain significance (1 of 4 stars; one submission).

Conditions:
Early-infantile DEE. Also called: Early infantile epileptic encephalopathy with suppression bursts; Ohtahara syndrome; Early infantile epileptic encephalopathy. Identifiers: Orphanet 1934, MedGen C0393706, MONDO:0800491.

Submission:

Labcorp Genetics (formerly Invitae), Labcorp
Classification: Uncertain significance for Early-infantile DEE. Last evaluated: 2022-07-19. Review status: criteria provided, single submitter. Criteria: Invitae Variant Classification Sherloc (09022015). Collection method: clinical testing. Allele origin: germline.
Comment: In summary, the available evidence is currently insufficient to determine the role of this variant in disease. Therefore, it has been classified as a Variant of Uncertain Significance. Algorithms developed to predict the effect of sequence changes on RNA splicing suggest that this variant may disrupt the consensus splice site. Algorithms developed to predict the effect of missense changes on protein structure and function are either unavailable or do not agree on the potential impact of this missense change (SIFT: "Deleterious"; PolyPhen-2: "Benign"; Align-GVGD: "Class C0"). ClinVar contains an entry for this variant (Variation ID: 838087). This variant has not been reported in the literature in individuals affected with SCN1A-related conditions. This variant is not present in population databases (gnomAD no frequency). This sequence change replaces asparagine, which is neutral and polar, with lysine, which is basic and polar, at codon 681 of the SCN1A protein (p.Asn681Lys).